The following is an entry in ClinVar:

NM_015557.3(CHD5):c.1618C>T (p.Arg540Cys)

Gene: CHD5 (chromodomain helicase DNA binding protein 5; minus strand). Cytogenetic location: 1p36.31.
Variant type: single nucleotide variant.
Coding change: c.1618C>T on transcript NM_015557.3 (MANE Select); coding-DNA position 1618, C replaced by T.
Protein change: p.Arg540Cys; replaces arginine 540 with cysteine.
Molecular consequence: missense variant.
Genome position (GRCh38, 1-based): chr1:6,146,396, G>A on the plus strand (C>T on the coding strand, the complement: CHD5 is on the minus strand). VCF-style: chr1-6146396-G-A. GRCh37 (hg19) VCF-style: chr1-6206456-G-A.
Other names: short protein forms R540C.
Identifiers: ClinVar variation 1704708 (VCV001704708.3), dbSNP rs2525418602, ClinGen allele CA338082906.

ClinVar aggregate classification (germline): Uncertain significance (1 of 4 stars; one submission).

gnomAD v4.1: 6 of 1,614,032 alleles (0.00037%); highest among the groups gnomAD compares: South Asian, 0.0011%; no homozygotes.

Submission:

GeneDx
Classification: Uncertain significance. Last evaluated: 2024-05-23. Review status: criteria provided, single submitter. Criteria: GeneDx Variant Classification Process June 2021. Collection method: clinical testing. Allele origin: germline. Affected: yes.
Comment: Not observed at significant frequency in large population cohorts (gnomAD); In silico analysis supports that this missense variant has a deleterious effect on protein structure/function; Has not been previously published as pathogenic or benign to our knowledge